The following is an entry in ClinVar:

NC_000005.10:g.126595278A>C

Gene: ALDH7A1 (aldehyde dehydrogenase 7 family member A1; minus strand). Cytogenetic location: 5q23.2.
Variant type: single nucleotide variant.
Genome position: GRCh38 VCF-style: chr5-126595278-A-C. GRCh37 (hg19) VCF-style: chr5-125930970-A-C.
Identifiers: ClinVar variation 350589 (VCV000350589.51), dbSNP rs563928852, ClinGen allele CA3389960.

ClinVar aggregate classification (germline): Conflicting classifications of pathogenicity. Review status: criteria provided, conflicting classifications (1 of 4 stars). 6 submissions from 6 submitters: Uncertain significance (2); Likely benign (3). 1 of the submissions does not count toward it. Last evaluated 2023-03-02.

Conditions:
Pyridoxine-dependent epilepsy (EPEO4). Also called: Pyridoxine-Dependent Seizures; EPILEPSY, EARLY-ONSET, 4, VITAMIN B6-DEPENDENT; PYRIDOXINE DEPENDENCY WITH SEIZURES; Pyridoxine-Dependent Epilepsy - ALDH7A1. Identifiers: Orphanet 3006, MedGen C1849508, MONDO:0009945, OMIM 266100. Disease mechanism: loss of function.
ALDH7A1-related disorder. Also called: ALDH7A1-related condition.
Inborn genetic diseases. Identifiers: MedGen C0950123, MeSH D030342.

Allele frequency attached by ClinVar (database versions not stated): ExAC 0.00083; gnomAD 0.00308 and 0.00294; TOPMed 0.00323; 1000 Genomes Project 30x 0.00109; gnomAD exomes 0.00219.

Submissions (6):

Blueprint Genetics
Classification: Likely benign. Last evaluated: 2023-03-02. Review status: criteria provided, single submitter. Criteria: ACMG Guidelines, 2015. Collection method: clinical testing. Allele origin: germline.

Ambry Genetics
Classification: Likely benign for Inborn genetic diseases. Last evaluated: 2022-03-23. Review status: criteria provided, single submitter. Criteria: Ambry Variant Classification Scheme 2023. Collection method: clinical testing. Allele origin: germline.

Mendelics
Classification: Likely benign for Pyridoxine-dependent epilepsy. Last evaluated: 2019-05-28. Review status: criteria provided, single submitter. Criteria: Mendelics Assertion Criteria 2017. Collection method: clinical testing. Allele origin: unknown.

Illumina Laboratory Services, Illumina
Classification: Uncertain significance for Pyridoxine-dependent epilepsy. Last evaluated: 2018-01-12. Review status: criteria provided, single submitter. Criteria: ICSL Variant Classification Criteria 13 December 2019. Collection method: clinical testing. Allele origin: germline.

CeGaT Center for Human Genetics Tuebingen
Classification: Uncertain significance. Last evaluated: 2016-06-01. Review status: criteria provided, single submitter. Criteria: CeGaT Center For Human Genetics Tuebingen Variant Classification Criteria Version 2. Collection method: clinical testing. Allele origin: germline. Affected: yes. Observed: 1 variant allele.

PreventionGenetics, part of Exact Sciences
Classification: Likely benign for ALDH7A1-related condition. Last evaluated: 2021-04-29. Review status: no assertion criteria provided. Collection method: clinical testing. Allele origin: germline. Not counted in ClinVar's aggregate classification.
Comment: This variant is classified as likely benign based on ACMG/AMP sequence variant interpretation guidelines (Richards et al. 2015 PMID: 25741868, with internal and published modifications).